The following is an entry in ClinVar:

NM_012210.4(TRIM32):c.1270dup (p.Ala424fs)

Genes: ASTN2 (astrotactin 2; minus strand), TRIM32 (tripartite motif containing 32; plus strand). Cytogenetic location: 9q33.1.
Variant type: Duplication.
Coding change: c.1270dup on transcript NM_012210.4 (MANE Select); coding-DNA position 1270, one base duplicated (G; older notation c.1270dupG).
Protein change: p.Ala424fs; shifts the reading frame from alanine 424.
Molecular consequence: frameshift variant. On other transcripts: intron variant (3).
Genome position (GRCh38, 1-based): chr9:116,699,012, G duplicated; the last of 4 consecutive G bases (chr9:116,699,009-116,699,012); duplicating any one gives the same sequence. VCF-style (leftmost placement, unchanged base first): chr9-116699008-T-TG. GRCh37 (hg19) VCF-style: chr9-119461287-T-TG.
Other names: c.1270dup, p.Ala424fs (NM_001099679.2, NM_001379048.1, NM_001379049.1 and 1 more transcripts); c.2653+26762dup (NM_014010.5); c.2794+26762dup (NM_001365069.1); c.2806+26762dup (NM_001365068.1); short protein forms A424fs.
Identifiers: ClinVar variation 4720869 (VCV004720869.2).

ClinVar aggregate classification (germline): Pathogenic/Likely pathogenic. Review status: criteria provided, multiple submitters, no conflicts (2 of 4 stars). 2 submissions from 2 submitters: Pathogenic (1); Likely pathogenic (1). Last evaluated 2025-06-11.

Conditions:
Bardet-Biedl syndrome (BBS). Identifiers: Orphanet 110, MedGen C0752166, MONDO:0015229.
TRIM32-related disorder. Also called: TRIM32-related condition.

Submissions (2):

Labcorp Genetics (formerly Invitae), Labcorp
Classification: Pathogenic for Bardet-Biedl syndrome. Last evaluated: 2025-06-11. Review status: criteria provided, single submitter. Criteria: Invitae Variant Classification Sherloc (09022015). Collection method: clinical testing. Allele origin: germline.
Comment: This sequence change creates a premature translational stop signal (p.Ala424Glyfs*23) in the TRIM32 gene. While this is not anticipated to result in nonsense mediated decay, it is expected to disrupt the last 230 amino acid(s) of the TRIM32 protein. This variant is not present in population databases (gnomAD no frequency). This variant has not been reported in the literature in individuals affected with TRIM32-related conditions. This variant disrupts a region of the TRIM32 protein in which other variant(s) (p.Asp487Asn) have been determined to be pathogenic (PMID: 11822024, 15786463, 23142638). This suggests that this is a clinically significant region of the protein, and that variants that disrupt it are likely to be disease-causing. For these reasons, this variant has been classified as Pathogenic.

Blueprint Genetics
Classification: Likely pathogenic for TRIM32-related disorders. Last evaluated: 2022-12-05. Review status: criteria provided, single submitter. Criteria: ACMG Guidelines, 2015. Collection method: clinical testing. Allele origin: germline. Affected: yes. Observed: 1 variant allele.

Literature cited by the submitters: PubMed 11822024 (cited by Labcorp Genetics (formerly Invitae), Labcorp); PubMed 15786463 (cited by Labcorp Genetics (formerly Invitae), Labcorp); PubMed 23142638 (cited by Labcorp Genetics (formerly Invitae), Labcorp).